The following is an entry in ClinVar:

NM_001376.5(DYNC1H1):c.12594A>T (p.Pro4198=)

Gene: DYNC1H1 (dynein cytoplasmic 1 heavy chain 1; plus strand). Cytogenetic location: 14q32.31.
Variant type: single nucleotide variant.
Coding change: c.12594A>T on transcript NM_001376.5 (MANE Select); coding-DNA position 12594, A replaced by T.
Protein change: p.Pro4198=; no amino-acid change (proline 4198 retained).
Molecular consequence: synonymous variant.
Genome position (GRCh38, 1-based): chr14:102,043,955, A>T. VCF-style: chr14-102043955-A-T. GRCh37 (hg19) VCF-style: chr14-102510292-A-T.
Identifiers: ClinVar variation 514761 (VCV000514761.16), dbSNP rs143936619, ClinGen allele CA7353978.

ClinVar aggregate classification (germline): Benign/Likely benign. Review status: criteria provided, multiple submitters, no conflicts (2 of 4 stars). 6 submissions from 6 submitters: Benign (1); Likely benign (5). Last evaluated 2026-02-23.

Conditions:
Inborn genetic diseases. Identifiers: MedGen C0950123, MeSH D030342.
Charcot-Marie-Tooth disease axonal type 2O. Also called: Charcot-Marie-Tooth disease, axonal, type 20; CHARCOT-MARIE-TOOTH NEUROPATHY, AXONAL, TYPE 2O; CHARCOT-MARIE-TOOTH DISEASE, AXONAL, AUTOSOMAL DOMINANT, TYPE 2O; Charcot-Marie-Tooth Neuropathy Type 2O. Identifiers: Orphanet 284232, MedGen C3280220, MONDO:0013644, OMIM 614228.
DYNC1H1-related disorder. Also called: DYNC1H1-related condition; DYNC1H1-related disorders. Identifiers: MedGen CN381529.
Charcot-Marie-Tooth disease. Also called: Charcot-Marie-Tooth Neuropathy; Charcot-Marie-Tooth Hereditary Neuropathy. Identifiers: Orphanet 166, MedGen C0007959, MONDO:0015626.

Allele frequency attached by ClinVar (database versions not stated): gnomAD 0.00003; ExAC 0.00004; TOPMed 0.00005; gnomAD exomes 0.00006; ESP Exome Variant Server 0.00008.

Submissions (6):

PreventionGenetics, part of Exact Sciences
Classification: Likely benign for DYNC1H1-related condition. Last evaluated: 2026-02-23. Review status: criteria provided, single submitter. Criteria: ACMG Guidelines, 2015. Collection method: clinical testing. Allele origin: germline.
Comment: This variant is classified as likely benign based on ACMG/AMP sequence variant interpretation guidelines (Richards et al. 2015 PMID: 25741868, with internal and published modifications).

Labcorp Genetics (formerly Invitae), Labcorp
Classification: Likely benign for Charcot-Marie-Tooth disease axonal type 2O. Last evaluated: 2025-10-16. Review status: criteria provided, single submitter. Criteria: Invitae Variant Classification Sherloc (09022015). Collection method: clinical testing. Allele origin: germline.

Blueprint Genetics
Classification: Likely benign. Last evaluated: 2023-04-24. Review status: criteria provided, single submitter. Criteria: ACMG Guidelines, 2015. Collection method: clinical testing. Allele origin: germline.

Ambry Genetics
Classification: Benign for Inborn genetic diseases. Last evaluated: 2020-09-17. Review status: criteria provided, single submitter. Criteria: Ambry Variant Classification Scheme 2023. Collection method: clinical testing. Allele origin: germline.

GeneDx
Classification: Likely benign. Last evaluated: 2018-01-18. Review status: criteria provided, single submitter. Criteria: GeneDx Variant Classification (06012015). Collection method: clinical testing. Allele origin: germline. Affected: yes.
Comment: This variant is considered likely benign or benign based on one or more of the following criteria: it is a conservative change, it occurs at a poorly conserved position in the protein, it is predicted to be benign by multiple in silico algorithms, and/or has population frequency not consistent with disease.

Molecular Genetics Laboratory, London Health Sciences Centre
Classification: Likely benign for Charcot-Marie-Tooth disease. Review status: criteria provided, single submitter. Criteria: ACMG Guidelines, 2015. Collection method: clinical testing. Allele origin: germline. Affected: yes.